The following is an entry in ClinVar:

ClinVar aggregate classification (germline): Uncertain significance. Review status: criteria provided, multiple submitters, no conflicts (2 of 4 stars). 4 submissions from 4 submitters: Uncertain significance (4). Last evaluated 2025-10-18.

Conditions:
Mucopolysaccharidosis, MPS-IV-B (MPS4B). Also called: Mucopolysaccharidosis Type IVB; Mucopolysaccharidosis type IV B; Mucopolysaccharidosis Type IVB (Morquio B Disease); Mucopolysaccharidosis type IVB (Morquio); MPS IVB; Mucopolysaccharidosis type 4B. Identifiers: Orphanet 309310, Orphanet 582, MedGen C0086652, MONDO:0009660, OMIM 253010.
GM1 gangliosidosis. Identifiers: Orphanet 354, MedGen C0085131, MONDO:0018149.

Allele frequency attached by ClinVar (database versions not stated): gnomAD below 0.00001 and 0.00001; gnomAD exomes 0.00001; ExAC 0.00002.
gnomAD v4.1: 14 of 1,612,278 alleles (0.00087%); highest among the groups gnomAD compares: South Asian, 0.015%; no homozygotes.

Submissions (4):

Labcorp Genetics (formerly Invitae), Labcorp
Classification: Uncertain significance for Mucopolysaccharidosis, MPS-IV-B; GM1 gangliosidosis. Last evaluated: 2025-10-18. Review status: criteria provided, single submitter. Criteria: Invitae Variant Classification Sherloc (09022015). Collection method: clinical testing. Allele origin: germline.
Comment: This sequence change replaces phenylalanine, which is neutral and non-polar, with leucine, which is neutral and non-polar, at codon 357 of the GLB1 protein (p.Phe357Leu). This variant is present in population databases (rs727503953, gnomAD 0.007%). This missense change has been observed in individual(s) with GM1 gangliosidosis (PMID: 20175788). ClinVar contains an entry for this variant (Variation ID: 167147). An algorithm developed to predict the effect of missense changes on protein structure and function (PolyPhen-2) suggests that this variant is likely to be tolerated. In summary, the available evidence is currently insufficient to determine the role of this variant in disease. Therefore, it has been classified as a Variant of Uncertain Significance.

Victorian Clinical Genetics Services, Murdoch Childrens Research Institute
Classification: Uncertain significance for GM1 gangliosidosis. Last evaluated: 2020-05-25. Review status: criteria provided, single submitter. Criteria: ACMG Guidelines, 2015. Collection method: clinical testing. Allele origin: germline. Inheritance: Autosomal recessive inheritance. Affected: no.
Comment: A heterozygous missense variant was identified, NM_000404.3(GLB1):c.1071T>G in exon 11 of 16 of the GLB1 gene. This substitution is predicted to create a minor amino acid change from phenylalanine to leucine at position 357 of the protein, NP_000395.2(GLB1):p.(Phe357Leu). The phenylalanine at this position has moderate conservation (100 vertebrates, UCSC), and is not situated in a known functional domain (PDB, NCBI). In silico software predictions of the pathogenicity of this variant are conflicting (PolyPhen, SIFT, CADD, MutationTaster). The variant is present in the gnomAD population database at a frequency of 0.0008% (2 heterozygotes; 0 homozygotes), observed within the South Asian population only. The variant has previously been reported as a VUS, and has been observed in cis with a pathogenic frameshift deletion (NM_000404.3(GLB1):c.1077del; NP_000395.2(GLB1):p.(Val360Tyrfs*23)) in a patient with GM1-gangliosidosis (ClinVar, Hofer, D. et al. (2012)). Based on information available at the time of curation, this variant has been classified as a VARIANT of UNCERTAIN SIGNIFICANCE (VUS).

Women's Health and Genetics/Laboratory Corporation of America, LabCorp
Classification: Uncertain significance. Last evaluated: 2019-01-25. Review status: criteria provided, single submitter. Criteria: LabCorp Variant Classification Summary - May 2015. Collection method: clinical testing. Allele origin: germline.
Comment: Variant summary: The variant, GLB1 c.1071T>G (p.Phe357Leu) results in a non-conservative amino acid change in the encoded protein sequence. Two of four in-silico tools predict a benign effect of the variant on protein function. 5/5 computational tools predict no significant impact on normal splicing. However, these predictions have yet to be confirmed by functional studies. The variant allele was found at a frequency of 8.2e-06 in 242928 control chromosomes (gnomAD). The available data on variant occurrences in the general population are insufficient to allow any conclusion about variant significance. The variant, c.1071T>G has been reported in the literature in individuals affected with GM1 gangliosidosis. However, this report does not provide unequivocal conclusions about association of the variant with Mucopolysaccharidosis Type IVB (Morquio Syndrome B). Co-occurrences with another pathogenic variant in cis have been reported (GLB1, p.K359KfsX23), providing supporting evidence for a benign role (Hofer_2010). To our knowledge, no experimental evidence demonstrating an impact on protein function has been reported. No clinical diagnostic laboratories have submitted clinical-significance assessments for this variant to ClinVar after 2014. Based on the evidence outlined above, the variant was classified as uncertain significance.

Eurofins Ntd Llc (ga)
Classification: Uncertain significance. Last evaluated: 2013-12-19. Review status: criteria provided, single submitter. Criteria: EGL Classification Definitions 2015. Collection method: clinical testing. Allele origin: germline. Observed: 9 variant alleles, 8 heterozygotes, 1 homozygote.

Literature cited by the submitters: PubMed 20175788 (cited by 3 submitters); PubMed 29396849 (cited by Women's Health and Genetics/Laboratory Corporation of America, LabCorp).

NM_000404.4(GLB1):c.1071T>G (p.Phe357Leu)

Gene: GLB1 (galactosidase beta 1; minus strand). Cytogenetic location: 3p22.3.
Variant type: single nucleotide variant.
Coding change: c.1071T>G on transcript NM_000404.4 (MANE Select); coding-DNA position 1071, T replaced by G.
Protein change: p.Phe357Leu; replaces phenylalanine 357 with leucine.
Molecular consequence: missense variant.
Genome position (GRCh38, 1-based): chr3:33,024,323, A>C on the plus strand (T>G on the coding strand, the complement: GLB1 is on the minus strand). VCF-style: chr3-33024323-A-C. GRCh37 (hg19) VCF-style: chr3-33065815-A-C.
Other names: c.981T>G, p.Phe327Leu (NM_001079811.3); c.678T>G, p.Phe226Leu (NM_001135602.3); c.1215T>G, p.Phe405Leu (NM_001317040.2); c.1071T>G, p.Phe357Leu (NM_001393580.1); short protein forms F357L, F327L, F226L, F405L.
Identifiers: ClinVar variation 167147 (VCV000167147.12), dbSNP rs727503953, ClinGen allele CA234092.